The following is an entry in ClinVar:

ClinVar aggregate classification (germline): Pathogenic/Likely pathogenic. Review status: criteria provided, multiple submitters, no conflicts (2 of 4 stars). 6 submissions from 6 submitters: Pathogenic (3); Likely pathogenic (3). Last evaluated 2026-04-23.

Conditions:
Intellectual disability-epilepsy-extrapyramidal syndrome (NEDHELS). Also called: Dyskinesia, seizures, and intellectual developmental disorder. Identifiers: Orphanet 468620, MedGen C4310683, MONDO:0014952, OMIM 617171.
Intellectual disability, autosomal dominant 24 (VSVS). Also called: VULTO-VAN SILFHOUT-DE VRIES SYNDROME. Identifiers: MedGen C4014414, MONDO:0014357, OMIM 615828.

Submissions (6):

Women's Health and Genetics/Laboratory Corporation of America, LabCorp
Classification: Pathogenic for Intellectual disability-epilepsy-extrapyramidal syndrome. Last evaluated: 2026-04-23. Review status: criteria provided, single submitter. Criteria: LabCorp Variant Classification Summary - May 2015. Collection method: clinical testing. Allele origin: germline.
Comment: Variant summary: DEAF1 c.34_35dupGG (p.Leu13AlafsX31) results in a premature termination codon, predicted to cause a truncation of the encoded protein or absence of the protein due to nonsense mediated decay, which are commonly known mechanisms for disease. The variant was absent in 72570 control chromosomes. To our knowledge, no occurrence of c.34_35dupGG in individuals affected with DEAF1-related conditions and no experimental evidence demonstrating its impact on protein function have been reported. ClinVar contains an entry for this variant (Variation ID: 802647). Based on the evidence outlined above, the variant was classified as pathogenic for Neurodevelopmental disorder with hypotonia, impaired expressive language, and with or without seizures.

Dasa
Classification: Likely pathogenic. Last evaluated: 2025-08-06. Review status: criteria provided, single submitter. Criteria: DASA Assertion Criteria. Collection method: clinical testing. Allele origin: germline.
Comment: NM_021008.4(DEAF1):c.34_35dup (p.Leu13Alafs*31) is a frameshift variant in DEAF1 predicted to alter the reading frame and introduce a premature termination codon and is predicted to result in an absent or altered protein product. Loss of function is an established disease mechanism for DEAF1-associated disorders. Also, this variant is absent from population databases. Based on the currently available evidence, this variant is classified as likely pathogenic.

GeneDx
Classification: Likely pathogenic. Last evaluated: 2025-01-22. Review status: criteria provided, single submitter. Criteria: GeneDx Variant Classification Process June 2021. Collection method: clinical testing. Allele origin: germline. Affected: yes.
Comment: Frameshift variant predicted to result in protein truncation or nonsense mediated decay in a gene for which loss of function is a known mechanism of disease; Not observed at significant frequency in large population cohorts (gnomAD); Has not been previously published as pathogenic or benign to our knowledge

Labcorp Genetics (formerly Invitae), Labcorp
Classification: Pathogenic. Last evaluated: 2024-11-21. Review status: criteria provided, single submitter. Criteria: Invitae Variant Classification Sherloc (09022015). Collection method: clinical testing. Allele origin: germline.
Comment: This sequence change creates a premature translational stop signal (p.Leu13Alafs*31) in the DEAF1 gene. It is expected to result in an absent or disrupted protein product. Loss-of-function variants in DEAF1 are known to be pathogenic (PMID: 30923367). This variant is not present in population databases (gnomAD no frequency). This variant has not been reported in the literature in individuals affected with DEAF1-related conditions. ClinVar contains an entry for this variant (Variation ID: 802647). For these reasons, this variant has been classified as Pathogenic.

Laboratorio de Genetica e Diagnostico Molecular, Hospital Israelita Albert Einstein
Classification: Likely pathogenic for Intellectual disability, autosomal dominant 24. Last evaluated: 2022-08-05. Review status: criteria provided, single submitter. Criteria: ACMG Guidelines, 2015. Collection method: clinical testing. Allele origin: germline. Affected: yes. Observed: 1 variant allele.
Comment: ACMG classification criteria: PVS1 strong, PM2 moderated

Mendelics
Classification: Pathogenic for Intellectual disability-epilepsy-extrapyramidal syndrome. Last evaluated: 2019-05-28. Review status: criteria provided, single submitter. Criteria: Mendelics Assertion Criteria 2017. Collection method: clinical testing. Allele origin: unknown. Inheritance: Autosomal recessive inheritance.
Comment: Variant NM_021008.4(DEAF1):c.34_35dup (p.Leu13fs) is absent in GnomAD V4.1.0 database. This event results in loss of function, the expected mechanism of the disease.

Literature cited by the submitters: PubMed 30923367 (cited by Labcorp Genetics (formerly Invitae), Labcorp).

NM_021008.4(DEAF1):c.34_35dup (p.Leu13fs)

Gene: DEAF1 (DEAF1 transcription factor; minus strand). Cytogenetic location: 11p15.5.
Variant type: Duplication.
Coding change: c.34_35dup on transcript NM_021008.4 (MANE Select); coding-DNA positions 34 to 35, 2 bases duplicated (GG; older notation c.34_35dupGG).
Protein change: p.Leu13fs; shifts the reading frame from leucine 13.
Molecular consequence: frameshift variant. On other transcripts: intron variant (1).
Genome position (GRCh38, 1-based): chr11:695,013-695,014, CC duplicated on the plus strand (GG on the coding strand, the reverse complement: DEAF1 is on the minus strand); duplicating any 2 consecutive bases within chr11:695,013-695,015 gives the same sequence; the c. name uses the placement nearest the transcript's 3' end. VCF-style (leftmost placement, unchanged base first): chr11-695012-G-GCC. GRCh37 (hg19) VCF-style: chr11-695012-G-GCC.
Other names: c.33_34dup, p.Leu13Alafs (NM_001293634.2); c.-437-3416_-437-3415dup (NM_001367390.1); c.34_35dup (NM_021008.2); c.34_35dupGG (NM_021008.4); short protein forms L13fs.
Identifiers: ClinVar variation 802647 (VCV000802647.12), dbSNP rs1590028691, ClinGen allele CA915948728.